The following is an entry in ClinVar:

NM_206933.4(USH2A):c.8609C>T (p.Pro2870Leu)

Gene: USH2A (usherin; minus strand). Cytogenetic location: 1q41.
Variant type: single nucleotide variant.
Coding change: c.8609C>T on transcript NM_206933.4 (MANE Select); coding-DNA position 8609, C replaced by T.
Protein change: p.Pro2870Leu; replaces proline 2870 with leucine.
Molecular consequence: missense variant.
Genome position (GRCh38, 1-based): chr1:215,877,830, G>A on the plus strand (C>T on the coding strand, the complement: USH2A is on the minus strand). VCF-style: chr1-215877830-G-A. GRCh37 (hg19) VCF-style: chr1-216051172-G-A.
Other names: short protein forms P2870L.
Identifiers: ClinVar variation 970261 (VCV000970261.13), dbSNP rs200802261, ClinGen allele CA1394559.
Genomic context (GRCh38, chr1:215,877,830, plus strand): 5'-TTATCTTCATAAAGCCACTGAGTTCCTGAATAAATATTGTGCCACCGATTTAAATCTTCT[G>A]GGGGATTTGATGCAAGTGGCTGCTGGATTTTACGTCTCAGAAGCTCATATCTAAAGCAAA-3'
Protein context (NP_996816.3, residues 2860-2880): KIQQPLASNP[Pro2870Leu]EDLNRWHNIY

ClinVar aggregate classification (germline): Uncertain significance. Review status: criteria provided, multiple submitters, no conflicts (2 of 4 stars). 9 submissions from 8 submitters: Uncertain significance (7). 2 of the submissions do not count toward it. Last evaluated 2026-05-29.

Conditions:
Retinitis pigmentosa 39 (RP39). Identifiers: Orphanet 791, MedGen C3151138, MONDO:0013436, OMIM 613809.
Usher syndrome type 2A. Also called: RETINAL DISEASE IN USHER SYNDROME TYPE IIA, MODIFIER OF; USHER SYNDROME, TYPE IIA. Identifiers: Orphanet 231178, Orphanet 886, MedGen C1848634, MONDO:0010169, OMIM 276901.
USH2A-related disorder. Also called: USH2A-related disorders; USH2A-related condition. Identifiers: MedGen CN239332.
Retinal dystrophy. Also called: Inherited retinal dystrophy. Identifiers: Orphanet 71862, MedGen C0854723, MeSH D058499, MONDO:0019118, HP:0000556.

Allele frequency attached by ClinVar (database versions not stated): ExAC 0.00012; gnomAD exomes 0.00018 and 0.00024; gnomAD 0.00021 and 0.00022; TOPMed 0.00027.
gnomAD v4.1: 377 of 1,613,618 alleles (0.023%); highest among the groups gnomAD compares: Admixed American, 0.078%; no homozygotes.

Submissions (9):

PreventionGenetics, part of Exact Sciences
Classification: Uncertain significance for USH2A-related condition. Last evaluated: 2026-05-29. Review status: criteria provided, single submitter. Criteria: ACMG Guidelines, 2015. Collection method: clinical testing. Allele origin: germline.
Comment: The USH2A c.8609C>T variant is predicted to result in the amino acid substitution p.Pro2870Leu. This variant has been reported along with a second USH2A variant in an individual with hearing loss (Imizcoz et al. 2023. PubMed ID: 37811145). This variant is present in 0.059% of alleles in individuals of Latino descent in gnomAD, which may be too common to be an unreported cause of disease. At this time, the clinical significance of this variant is uncertain due to the absence of conclusive functional and genetic evidence.

GeneDx
Classification: Uncertain significance. Last evaluated: 2025-12-03. Review status: criteria provided, single submitter. Criteria: GeneDx Variant Classification Process June 2021. Collection method: clinical testing. Allele origin: germline. Affected: yes.
Comment: Reported with a second variant (phase unknown) in a patient with hearing loss in published literature (PMID: 37811145); In silico analysis supports that this missense variant has a deleterious effect on protein structure/function; This variant is associated with the following publications: (PMID: 36232761, 37811145, 40069133)

Blueprint Genetics
Classification: Uncertain significance. Last evaluated: 2024-11-19. Review status: criteria provided, single submitter. Criteria: ACMG Guidelines, 2015. Collection method: clinical testing. Allele origin: germline.

Labcorp Genetics (formerly Invitae), Labcorp
Classification: Uncertain significance. Last evaluated: 2024-11-11. Review status: criteria provided, single submitter. Criteria: Invitae Variant Classification Sherloc (09022015). Collection method: clinical testing. Allele origin: germline.
Comment: This sequence change replaces proline, which is neutral and non-polar, with leucine, which is neutral and non-polar, at codon 2870 of the USH2A protein (p.Pro2870Leu). This variant is present in population databases (rs200802261, gnomAD 0.06%). This variant has not been reported in the literature in individuals affected with USH2A-related conditions. ClinVar contains an entry for this variant (Variation ID: 970261). Invitae Evidence Modeling of protein sequence and biophysical properties (such as structural, functional, and spatial information, amino acid conservation, physicochemical variation, residue mobility, and thermodynamic stability) has been performed for this missense variant. However, the output from this modeling did not meet the statistical confidence thresholds required to predict the impact of this variant on USH2A protein function. In summary, the available evidence is currently insufficient to determine the role of this variant in disease. Therefore, it has been classified as a Variant of Uncertain Significance.

Genome-Nilou Lab
Classification: Uncertain significance for Retinitis pigmentosa 39. Last evaluated: 2023-11-04. Review status: criteria provided, single submitter. Criteria: ACMG Guidelines, 2015. Collection method: clinical testing. Allele origin: germline. Affected: no.

Genome-Nilou Lab
Classification: Uncertain significance for Usher syndrome type 2A. Last evaluated: 2023-11-04. Review status: criteria provided, single submitter. Criteria: ACMG Guidelines, 2015. Collection method: clinical testing. Allele origin: germline. Affected: no.

Fulgent Genetics
Classification: Uncertain significance for Usher syndrome type 2A; Retinitis pigmentosa 39. Last evaluated: 2022-01-05. Review status: criteria provided, single submitter. Criteria: ACMG Guidelines, 2015. Collection method: clinical testing. Allele origin: unknown.

Natera, Inc.
Classification: Uncertain significance for Usher syndrome type 2A. Last evaluated: 2020-03-20. Review status: no assertion criteria provided. Collection method: clinical testing. Allele origin: germline. Not counted in ClinVar's aggregate classification.

Institute of Human Genetics, Univ. Regensburg, Univ. Regensburg
Classification: Uncertain significance for Retinal dystrophy. Last evaluated: 2019-01-01. Review status: no assertion criteria provided. Criteria: ACMG Guidelines, 2015. Collection method: clinical testing. Allele origin: germline. Affected: yes. Not counted in ClinVar's aggregate classification.